The following is an entry in ClinVar:

NM_005076.5(CNTN2):c.654G>C (p.Lys218Asn)

Gene: CNTN2 (contactin 2; plus strand). Cytogenetic location: 1q32.1.
Variant type: single nucleotide variant.
Coding change: c.654G>C on transcript NM_005076.5 (MANE Select); coding-DNA position 654, G replaced by C.
Protein change: p.Lys218Asn; replaces lysine 218 with asparagine.
Molecular consequence: missense variant. On other transcripts: non-coding transcript variant (1).
Genome position (GRCh38, 1-based): chr1:205,059,250, G>C. VCF-style: chr1-205059250-G-C. GRCh37 (hg19) VCF-style: chr1-205028378-G-C.
Other names: c.654G>C, p.Lys218Asn (NM_001346083.2); short protein forms K218N.
Identifiers: ClinVar variation 1498124 (VCV001498124.8), dbSNP rs1653835996, ClinGen allele CA344407154.

ClinVar aggregate classification (germline): Uncertain significance (1 of 4 stars; one submission).

Conditions:
Epilepsy, familial adult myoclonic, 5 (EPEO5). Also called: CORTICAL MYOCLONIC TREMOR WITH EPILEPSY, FAMILIAL, 5. Identifiers: Orphanet 86814, MedGen C3809374, MONDO:0014167, OMIM 615400.

Allele frequency attached by ClinVar (database versions not stated): gnomAD exomes below 0.00001.
gnomAD v4.1: 1 of 1,614,180 alleles (0.000062%); highest among the groups gnomAD compares: Non-Finnish European, 0.000085%; no homozygotes.

Submission:

Labcorp Genetics (formerly Invitae), Labcorp
Classification: Uncertain significance for Epilepsy, familial adult myoclonic, 5. Last evaluated: 2022-07-26. Review status: criteria provided, single submitter. Criteria: Invitae Variant Classification Sherloc (09022015). Collection method: clinical testing. Allele origin: germline.
Comment: This sequence change replaces lysine, which is basic and polar, with asparagine, which is neutral and polar, at codon 218 of the CNTN2 protein (p.Lys218Asn). This variant is not present in population databases (gnomAD no frequency). This variant has not been reported in the literature in individuals affected with CNTN2-related conditions. ClinVar contains an entry for this variant (Variation ID: 1498124). Advanced modeling of protein sequence and biophysical properties (such as structural, functional, and spatial information, amino acid conservation, physicochemical variation, residue mobility, and thermodynamic stability) performed at Invitae indicates that this missense variant is not expected to disrupt CNTN2 protein function. In summary, the available evidence is currently insufficient to determine the role of this variant in disease. Therefore, it has been classified as a Variant of Uncertain Significance.